The following is an entry in ClinVar:

ClinVar aggregate classification (germline): Likely benign. Review status: criteria provided, multiple submitters, no conflicts (2 of 4 stars). 3 submissions from 3 submitters: Likely benign (2). 1 of the submissions does not count toward it. Last evaluated 2025-10-06.

Conditions:
RASopathy. Also called: rasopathies; Noonan spectrum disorder. Identifiers: Orphanet 536391, MedGen C5555857, MONDO:0021060.
BRAF-related disorder. Also called: BRAF-related condition.

Allele frequency attached by ClinVar (database versions not stated): gnomAD exomes 0.00002; gnomAD 0.00003.

Submissions (3):

Labcorp Genetics (formerly Invitae), Labcorp
Classification: Likely benign for RASopathy. Last evaluated: 2025-10-06. Review status: criteria provided, single submitter. Criteria: Invitae Variant Classification Sherloc (09022015). Collection method: clinical testing. Allele origin: germline.

Blueprint Genetics
Classification: Likely benign. Last evaluated: 2022-08-09. Review status: criteria provided, single submitter. Criteria: ACMG Guidelines, 2015. Collection method: clinical testing. Allele origin: germline.

PreventionGenetics, part of Exact Sciences
Classification: Likely benign for BRAF-related condition. Last evaluated: 2021-04-07. Review status: no assertion criteria provided. Collection method: clinical testing. Allele origin: germline. Not counted in ClinVar's aggregate classification.
Comment: This variant is classified as likely benign based on ACMG/AMP sequence variant interpretation guidelines (Richards et al. 2015 PMID: 25741868, with internal and published modifications).

NM_004333.6(BRAF):c.2128-20T>C

Gene: BRAF (B-Raf proto-oncogene, serine/threonine kinase; minus strand). Cytogenetic location: 7q34.
Variant type: single nucleotide variant.
Coding change: c.2128-20T>C on transcript NM_004333.6 (MANE Select); 20 bases into the intron before coding-DNA position 2128, T replaced by C.
Molecular consequence: intron variant.
Genome position (GRCh38, 1-based): chr7:140,734,790, A>G on the plus strand (T>C on the coding strand, the complement: BRAF is on the minus strand). VCF-style: chr7-140734790-A-G. GRCh37 (hg19) VCF-style: chr7-140434590-A-G.
Other names: c.2127+5022T>C (NM_001378474.1, NM_001378468.1); c.2026-20T>C (NM_001378470.1); c.1864-20T>C (NM_001378475.1); c.2017-20T>C (NM_001378471.1); c.2128-20T>C (NM_001354609.2, NM_004333.4); c.2248-20T>C (NM_001374258.1, NM_001374244.1); c.2137-20T>C (NM_001378467.1); c.1972-20T>C (NM_001378472.1, NM_001378473.1); and 1 more.
Identifiers: ClinVar variation 1608526 (VCV001608526.11), dbSNP rs1280793787, ClinGen allele CA578267510.
Genomic context (GRCh38, chr7:140,734,790, plus strand): 5'-TTTGGCAATGAGCGGGCCAGCAGCTCAATAGAGGCGAGAATCTACAAAAAAAAAAAGAAA[A>G]AAAAAAGAAAAAAAAAGAAAAAAGAAAAAAAAAGAAAGAAAGAAAAAGAAAAAACAGAAA-3'